The following is an entry in ClinVar:

ClinVar aggregate classification (germline): Uncertain significance (1 of 4 stars; one submission).

Conditions:
Emery-Dreifuss muscular dystrophy 5, autosomal dominant (EDMD5). Also called: EMERY-DREIFUSS MUSCULAR DYSTROPHY 5. Identifiers: Orphanet 261, MedGen C2751805, MONDO:0013072, OMIM 612999.

Submission:

Labcorp Genetics (formerly Invitae), Labcorp
Classification: Uncertain significance for Emery-Dreifuss muscular dystrophy 5, autosomal dominant. Last evaluated: 2019-05-29. Review status: criteria provided, single submitter. Criteria: Invitae Variant Classification Sherloc (09022015). Collection method: clinical testing. Allele origin: germline.
Comment: In summary, the available evidence is currently insufficient to determine the role of this variant in disease. Therefore, it has been classified as a Variant of Uncertain Significance. Algorithms developed to predict the effect of missense changes on protein structure and function output the following: SIFT: "Tolerated"; PolyPhen-2: "Benign"; Align-GVGD: "Class C0". The threonine amino acid residue is found in multiple mammalian species, suggesting that this missense change does not adversely affect protein function. These predictions have not been confirmed by published functional studies and their clinical significance is uncertain. This variant has not been reported in the literature in individuals with SYNE2-related conditions. This variant is not present in population databases (ExAC no frequency). This sequence change replaces asparagine with threonine at codon 1263 of the SYNE2 protein (p.Asn1263Thr). The asparagine residue is weakly conserved and there is a small physicochemical difference between asparagine and threonine.

NM_182914.3(SYNE2):c.3788A>C (p.Asn1263Thr)

Gene: SYNE2 (spectrin repeat containing nuclear envelope protein 2; plus strand). Cytogenetic location: 14q23.2.
Variant type: single nucleotide variant.
Coding change: c.3788A>C on transcript NM_182914.3 (MANE Select); coding-DNA position 3788, A replaced by C.
Protein change: p.Asn1263Thr; replaces asparagine 1263 with threonine.
Molecular consequence: missense variant.
Genome position (GRCh38, 1-based): chr14:64,002,721, A>C. VCF-style: chr14-64002721-A-C. GRCh37 (hg19) VCF-style: chr14-64469439-A-C.
Other names: c.3788A>C, p.Asn1263Thr (NM_015180.6); short protein forms N1263T.
Identifiers: ClinVar variation 837682 (VCV000837682.9), dbSNP rs1021504217, ClinGen allele CA389995975.
Genomic context (GRCh38, chr14:64,002,721, plus strand): 5'-CACATGTAGCCTTTCTTTTTTCCACCTCAGTGTTTTAGCTTTTCTTATCTTTATTTTAGA[A>C]TATCCAAGATTCCATAGCAAAACAGATTGAAATATGTAACCGCTTAGAAGAGCCAGGCAA-3'
Protein context (NP_878918.2, residues 1253-1273): DADRIYQHLR[Asn1263Thr]IQDSIAKQIE